The following is an entry in ClinVar:

NM_013432.5(TONSL):c.2303G>A (p.Arg768Gln)

Genes: TONSL (tonsoku like, DNA repair protein; minus strand), TONSL-AS1 (TONSL antisense RNA 1; plus strand). Cytogenetic location: 8q24.3.
Variant type: single nucleotide variant.
Coding change: c.2303G>A on transcript NM_013432.5 (MANE Select); coding-DNA position 2303, G replaced by A.
Protein change: p.Arg768Gln; replaces arginine 768 with glutamine.
Molecular consequence: missense variant.
Genome position (GRCh38, 1-based): chr8:144,436,130, C>T on the plus strand (G>A on the coding strand, the complement: TONSL is on the minus strand). VCF-style: chr8-144436130-C-T. GRCh37 (hg19) VCF-style: chr8-145661513-C-T.
Other names: c.2303G>A (NM_013432.4); short protein forms R768Q.
Identifiers: ClinVar variation 1475763 (VCV001475763.8), dbSNP rs779585131, ClinGen allele CA4942857.

ClinVar aggregate classification (germline): Conflicting classifications of pathogenicity. Review status: criteria provided, conflicting classifications (1 of 4 stars). 3 submissions from 3 submitters: Uncertain significance (1); Likely benign (2). Last evaluated 2025-12-02.

Conditions:
Inborn genetic diseases. Identifiers: MedGen C0950123, MeSH D030342.

Allele frequency attached by ClinVar (database versions not stated): gnomAD 0.00001; TOPMed 0.00002; gnomAD exomes 0.00004; ExAC 0.00014.
gnomAD v4.1: 14 of 1,561,478 alleles (0.0009%); highest among the groups gnomAD compares: South Asian, 0.0046%; no homozygotes.

Submissions (3):

Ambry Genetics
Classification: Likely benign for Inborn genetic diseases. Last evaluated: 2025-12-02. Review status: criteria provided, single submitter. Criteria: Ambry Variant Classification Scheme 2023. Collection method: clinical testing. Allele origin: germline.

Blueprint Genetics
Classification: Likely benign. Last evaluated: 2023-09-11. Review status: criteria provided, single submitter. Criteria: ACMG Guidelines, 2015. Collection method: clinical testing. Allele origin: germline.

Labcorp Genetics (formerly Invitae), Labcorp
Classification: Uncertain significance. Last evaluated: 2023-07-17. Review status: criteria provided, single submitter. Criteria: Invitae Variant Classification Sherloc (09022015). Collection method: clinical testing. Allele origin: germline.
Comment: This sequence change replaces arginine, which is basic and polar, with glutamine, which is neutral and polar, at codon 768 of the TONSL protein (p.Arg768Gln). This variant is present in population databases (rs779585131, gnomAD 0.009%). This variant has not been reported in the literature in individuals affected with TONSL-related conditions. ClinVar contains an entry for this variant (Variation ID: 1475763). Advanced modeling of protein sequence and biophysical properties (such as structural, functional, and spatial information, amino acid conservation, physicochemical variation, residue mobility, and thermodynamic stability) performed at Invitae indicates that this missense variant is not expected to disrupt TONSL protein function. Algorithms developed to predict the effect of sequence changes on RNA splicing suggest that this variant may create or strengthen a splice site. In summary, the available evidence is currently insufficient to determine the role of this variant in disease. Therefore, it has been classified as a Variant of Uncertain Significance.